The following is an entry in ClinVar:

NM_001042492.3(NF1):c.1062+1G>A

Gene: NF1 (neurofibromin 1; plus strand). Cytogenetic location: 17q11.2.
Variant type: single nucleotide variant.
Coding change: c.1062+1G>A on transcript NM_001042492.3 (MANE Select); the canonical splice donor site of the intron after coding-DNA position 1062, G replaced by A.
Molecular consequence: splice donor variant.
Genome position (GRCh38, 1-based): chr17:31,200,596, G>A. VCF-style: chr17-31200596-G-A. GRCh37 (hg19) VCF-style: chr17-29527614-G-A.
Other names: c.1062+1G>A (NM_000267.4, NM_001128147.3).
Identifiers: ClinVar variation 660278 (VCV000660278.12), dbSNP rs1597681200, ClinGen allele CA398996573.

ClinVar aggregate classification (germline): Pathogenic/Likely pathogenic. Review status: criteria provided, multiple submitters, no conflicts (2 of 4 stars). 5 submissions from 5 submitters: Pathogenic (4); Likely pathogenic (1). Last evaluated 2025-08-08.

Conditions:
Neurofibromatosis, type 1 (NF1). Also called: Neurofibromatosis, type I; NEUROFIBROMATOSIS, TYPE I, SOMATIC; Peripheral type neurofibromatosis; VON RECKLINGHAUSEN DISEASE. Identifiers: Orphanet 636, MedGen C0027831, MONDO:0018975, OMIM 162200. Disease mechanism: loss of function.
Juvenile myelomonocytic leukemia (JMML). Also called: LEUKEMIA, JUVENILE MYELOMONOCYTIC, SOMATIC. Identifiers: Orphanet 86834, MedGen C0349639, MONDO:0011908, OMIM 607785, HP:0012209.
NF1-related disorder. Also called: NF1-related condition. Identifiers: MedGen CN379171.

Submissions (5):

Labcorp Genetics (formerly Invitae), Labcorp
Classification: Pathogenic for Neurofibromatosis, type 1. Last evaluated: 2025-08-08. Review status: criteria provided, single submitter. Criteria: Invitae Variant Classification Sherloc (09022015). Collection method: clinical testing. Allele origin: germline.
Comment: This sequence change affects a donor splice site in intron 9 of the NF1 gene. It is expected to disrupt RNA splicing. Variants that disrupt the donor or acceptor splice site typically lead to a loss of protein function (PMID: 16199547), and loss-of-function variants in NF1 are known to be pathogenic (PMID: 10712197, 23913538). This variant is not present in population databases (gnomAD no frequency). Disruption of this splice site has been observed in individuals with neurofibromatosis type 1 (PMID: 12807981, 17426081, 23913538, 24413922). Invitae Evidence Modeling of clinical and family history, age, sex, and reported ancestry of multiple individuals with this NF1 variant has been performed. This variant is expected to be pathogenic with a positive predictive value of at least 99%. This is a validated machine learning model that incorporates the clinical features of 1,785,918 individuals referred to our laboratory for NF1 testing. ClinVar contains an entry for this variant (Variation ID: 660278). Algorithms developed to predict the effect of sequence changes on RNA splicing suggest that this variant may disrupt the consensus splice site. For these reasons, this variant has been classified as Pathogenic.

GeneDx
Classification: Likely pathogenic. Last evaluated: 2024-10-14. Review status: criteria provided, single submitter. Criteria: GeneDx Variant Classification Process June 2021. Collection method: clinical testing. Allele origin: germline.
Comment: Canonical splice site variant shown to result in skipping of the in-frame exon 9 in patient-derived samples (PMID: 18546366, 12807981); Observed in an individual with features of neurofibromatosis type 1 (PMID: 12807981); Deletions involving coding exons of this gene are a known mechanism of disease (HGMD); Not observed at significant frequency in large population cohorts (gnomAD); Also known as IVS7+1G>A; This variant is associated with the following publications: (PMID: 25525159, 10712197, 24413922, 23913538, 26076063, 12807981, 17426081, 18546366, 38355628)

Baylor Genetics
Classification: Pathogenic for Juvenile myelomonocytic leukemia. Last evaluated: 2023-09-06. Review status: criteria provided, single submitter. Criteria: ACMG Guidelines, 2015. Collection method: clinical testing. Allele origin: unknown.

3billion
Classification: Pathogenic for Neurofibromatosis, type 1. Last evaluated: 2023-02-23. Review status: criteria provided, single submitter. Criteria: ACMG Guidelines, 2015. Collection method: clinical testing. Allele origin: unknown. Affected: yes.
Comment: The variant is not observed in the gnomAD v2.1.1 dataset. This variant was predicted to alter splicing and result in a loss or disruption of normal protein function. Multiple pathogenic loss-of-function variants are reported downstream of the variant. The variant has been reported to be associated with NF1 related disorder (ClinVar ID: VCV000660278 / PMID: 12807981). Therefore, this variant is classified as Pathogenic according to the recommendation of ACMG/AMP guideline.

Blueprint Genetics
Classification: Pathogenic for NF1-related disorders. Last evaluated: 2020-09-19. Review status: criteria provided, single submitter. Criteria: ACMG Guidelines, 2015. Collection method: clinical testing. Allele origin: germline. Affected: yes. Observed: 1 variant allele.

Literature cited by the submitters: PubMed 16199547 (cited by Labcorp Genetics (formerly Invitae), Labcorp); PubMed 10712197 (cited by Labcorp Genetics (formerly Invitae), Labcorp); PubMed 23913538 (cited by Labcorp Genetics (formerly Invitae), Labcorp); PubMed 12807981 (cited by Labcorp Genetics (formerly Invitae), Labcorp and 3billion); PubMed 17426081 (cited by Labcorp Genetics (formerly Invitae), Labcorp); PubMed 24413922 (cited by Labcorp Genetics (formerly Invitae), Labcorp).